The following is an entry in ClinVar:

ClinVar aggregate classification (germline): Uncertain significance (1 of 4 stars; one submission).

Conditions:
Neurodevelopmental disorder with or without early-onset generalized epilepsy. Identifiers: MedGen C5436914, MONDO:0030930, OMIM 619157.

Submission:

Neuberg Centre For Genomic Medicine, NCGM
Classification: Uncertain significance for Neurodevelopmental disorder with or without early-onset generalized epilepsy. Review status: criteria provided, single submitter. Criteria: ACMG Guidelines, 2015. Collection method: clinical testing. Allele origin: germline. Inheritance: Autosomal dominant inheritance. Affected: yes.
Comment: The observed missense c.2784A>Gp.Ile928Met variant in NBEA gene has not been reported previously as a pathogenic variant nor as a benign variant, to our knowledge. The p.Ile928Met variant is absent in gnomAD Exomes databse. This variant has not been reported to the ClinVar database. Multiple lines of computational evidence Polyphen - Probably Damaging, SIFT - Damaging and MutationTaster - Disease causing predict damaging effect on protein structure and function for this variant. The reference amino acid in NBEA is predicted as conserved by GERP++ and PhyloP across 100 vertebrates. The amino acid Ile at position 928 is changed to a Met changing protein sequence and it might alter its composition and physico-chemical properties. For these reasons, this variant has been classified as Uncertain Significance VUS.

NM_001385012.1(NBEA):c.2784A>G (p.Ile928Met)

Gene: NBEA (neurobeachin; plus strand). Cytogenetic location: 13q13.3.
Variant type: single nucleotide variant.
Coding change: c.2784A>G on transcript NM_001385012.1 (MANE Select); coding-DNA position 2784, A replaced by G.
Protein change: p.Ile928Met; replaces isoleucine 928 with methionine.
Molecular consequence: missense variant.
Genome position (GRCh38, 1-based): chr13:35,157,210, A>G. VCF-style: chr13-35157210-A-G. GRCh37 (hg19) VCF-style: chr13-35731347-A-G.
Other names: c.2784A>G, p.Ile928Met (NM_001379245.1, NM_015678.5); short protein forms I928M.
Identifiers: ClinVar variation 3391376 (VCV003391376.1).